The following is an entry in ClinVar:

NM_000368.5(TSC1):c.1289C>A (p.Pro430Gln)

Gene: TSC1 (TSC complex subunit 1; minus strand). Cytogenetic location: 9q34.13.
Variant type: single nucleotide variant.
Coding change: c.1289C>A on transcript NM_000368.5 (MANE Select); coding-DNA position 1289, C replaced by A.
Protein change: p.Pro430Gln; replaces proline 430 with glutamine.
Molecular consequence: missense variant. On other transcripts: non-coding transcript variant (5).
Genome position (GRCh38, 1-based): chr9:132,907,345, G>T on the plus strand (C>A on the coding strand, the complement: TSC1 is on the minus strand). VCF-style: chr9-132907345-G-T. GRCh37 (hg19) VCF-style: chr9-135782732-G-T.
Other names: c.1286C>A, p.Pro429Gln (NM_001162426.2, NM_001406600.1, NM_001406603.1 and 6 more transcripts); c.1289C>A, p.Pro430Gln (NM_001406601.1, NM_001406602.1, NM_001406605.1 and 7 more transcripts); c.926C>A, p.Pro309Gln (NM_001406619.1, NM_001406624.1, NM_001362177.2 and 5 more transcripts); c.923C>A, p.Pro308Gln (NM_001406620.1, NM_001406621.1, NM_001406622.1 and 2 more transcripts); c.338C>A, p.Pro113Gln (NM_001406626.1); c.335C>A, p.Pro112Gln (NM_001406627.1, NM_001406628.1); c.236C>A, p.Pro79Gln (NM_001406629.1, NM_001406630.1); c.1136C>A, p.Pro379Gln (NM_001162427.2, NM_001406610.1); and 1 more; short protein forms P378Q, P379Q, P429Q, P309Q, P113Q, P430Q, P79Q, P112Q.
Identifiers: ClinVar variation 4825798 (VCV004825798.1).

ClinVar aggregate classification (germline): Uncertain significance (1 of 4 stars; one submission).

Conditions:
Hereditary cancer-predisposing syndrome. Also called: Neoplastic Syndromes, Hereditary; Tumor predisposition; Hereditary Cancer Syndrome; Hereditary neoplastic syndrome. Identifiers: Orphanet 140162, MedGen C0027672, MeSH D009386, MONDO:0015356.

Submission:

Ambry Genetics
Classification: Uncertain significance for Hereditary cancer-predisposing syndrome. Last evaluated: 2026-02-24. Review status: criteria provided, single submitter. Criteria: Ambry Variant Classification Scheme 2023. Collection method: clinical testing. Allele origin: germline.
Comment: The p.P430Q variant (also known as c.1289C>A), located in coding exon 11 of the TSC1 gene, results from a C to A substitution at nucleotide position 1289. The proline at codon 430 is replaced by glutamine, an amino acid with similar properties. This amino acid position is conserved. In addition, the in silico prediction for this alteration is inconclusive. Based on the available evidence, the clinical significance of this variant remains unclear.